The following is an entry in ClinVar:

NM_001287491.2(TET3):c.3814G>C (p.Val1272Leu)

Gene: TET3 (tet methylcytosine dioxygenase 3; plus strand). Cytogenetic location: 2p13.1.
Variant type: single nucleotide variant.
Coding change: c.3814G>C on transcript NM_001287491.2 (MANE Select); coding-DNA position 3814, G replaced by C.
Protein change: p.Val1272Leu; replaces valine 1272 with leucine.
Molecular consequence: missense variant.
Genome position (GRCh38, 1-based): chr2:74,100,602, G>C. VCF-style: chr2-74100602-G-C. GRCh37 (hg19) VCF-style: chr2-74327729-G-C.
Other names: c.3535G>C, p.Val1179Leu (NM_001366022.1); short protein forms V1179L, V1272L.
Identifiers: ClinVar variation 3767598 (VCV003767598.1).

ClinVar aggregate classification (germline): Uncertain significance (1 of 4 stars; one submission).

Submission:

GeneDx
Classification: Uncertain significance. Last evaluated: 2024-09-07. Review status: criteria provided, single submitter. Criteria: GeneDx Variant Classification Process June 2021. Collection method: clinical testing. Allele origin: germline. Affected: yes.
Comment: Not observed at significant frequency in large population cohorts (gnomAD); In silico analysis indicates that this missense variant does not alter protein structure/function; Has not been previously published as pathogenic or benign to our knowledge